The following is an entry in ClinVar:

ClinVar aggregate classification (germline): Uncertain significance (1 of 4 stars; one submission).

Submission:

GeneDx
Classification: Uncertain significance. Last evaluated: 2018-01-03. Review status: criteria provided, single submitter. Criteria: GeneDx Variant Classification (06012015). Collection method: clinical testing. Allele origin: germline. Affected: yes.
Comment: The E523D variant has not been published as a pathogenic variant, nor has it been reported as a benign variant to our knowledge. This variant is not observed in large population cohorts (Lek et al., 2016). The E523D variant is a conservative amino acid substitution, which is not likely to impact secondary protein structure as these residues share similar properties. In-silico analyses, including protein predictors and evolutionary conservation, support that this variant does not alter protein structure/function. The majority of missense variants in this gene are considered pathogenic (Stenson et al., 2014). Based on the currently available information, it is unclear whether this variant is a pathogenic variant or a rare benign variant. We consider it to be a variant of uncertain significance.

NM_002834.5(PTPN11):c.1569A>C (p.Glu523Asp)

Gene: PTPN11 (protein tyrosine phosphatase non-receptor type 11; plus strand). Cytogenetic location: 12q24.13.
Variant type: single nucleotide variant.
Coding change: c.1569A>C on transcript NM_002834.5 (MANE Select); coding-DNA position 1569, A replaced by C.
Protein change: p.Glu523Asp; replaces glutamic acid 523 with aspartic acid.
Molecular consequence: missense variant.
Genome position (GRCh38, 1-based): chr12:112,489,145, A>C. VCF-style: chr12-112489145-A-C. GRCh37 (hg19) VCF-style: chr12-112926949-A-C.
Other names: c.1581A>C, p.Glu527Asp (NM_001330437.2); c.1566A>C, p.Glu522Asp (NM_001374625.1); short protein forms E523D, E527D, E522D.
Identifiers: ClinVar variation 561713 (VCV000561713.1), dbSNP rs1566186902, ClinGen allele CA386780067.